The following is an entry in ClinVar:

NM_016169.4(SUFU):c.553A>T (p.Met185Leu)

Gene: SUFU (SUFU negative regulator of hedgehog signaling; plus strand). Cytogenetic location: 10q24.32.
Variant type: single nucleotide variant.
Coding change: c.553A>T on transcript NM_016169.4 (MANE Select); coding-DNA position 553, A replaced by T.
Protein change: p.Met185Leu; replaces methionine 185 with leucine.
Molecular consequence: missense variant.
Genome position (GRCh38, 1-based): chr10:102,592,680, A>T. VCF-style: chr10-102592680-A-T. GRCh37 (hg19) VCF-style: chr10-104352437-A-T.
Other names: c.553A>T, p.Met185Leu (NM_001178133.2); short protein forms M185L.
Identifiers: ClinVar variation 2941047 (VCV002941047.3), dbSNP rs2545081327, ClinGen allele CA377908525.
Genomic context (GRCh38, chr10:102,592,680, plus strand): 5'-AGCCCTTTGGATAACAGTGAGTCAAGAATTCAGCACATGCTGCTGACAGAGGACCCACAG[A>T]TGCAGCCCGTGCAGACACCCTTTGGGGTAGTTACCTTCCTCCAGGTGAGGCACAGGTTGG-3'
Protein context (NP_057253.2, residues 175-195): QHMLLTEDPQ[Met185Leu]QPVQTPFGVV

ClinVar aggregate classification (germline): Uncertain significance (1 of 4 stars; one submission).

Conditions:
Gorlin syndrome. Also called: Nevoid Basal Cell Carcinoma Syndrome; Basal cell nevus syndrome. Identifiers: Orphanet 377, MedGen C0004779, MONDO:0007187.
Medulloblastoma (MDB). Also called: MEDULLOBLASTOMA PREDISPOSITION SYNDROME; Medulloblastoma, somatic. Identifiers: Orphanet 616, MedGen C0025149, MeSH D008527, MONDO:0007959, OMIM 155255, HP:0002885.

Submission:

Labcorp Genetics (formerly Invitae), Labcorp
Classification: Uncertain significance for Gorlin syndrome; Medulloblastoma. Last evaluated: 2023-08-10. Review status: criteria provided, single submitter. Criteria: Invitae Variant Classification Sherloc (09022015). Collection method: clinical testing. Allele origin: germline.
Comment: In summary, the available evidence is currently insufficient to determine the role of this variant in disease. Therefore, it has been classified as a Variant of Uncertain Significance. Advanced modeling of protein sequence and biophysical properties (such as structural, functional, and spatial information, amino acid conservation, physicochemical variation, residue mobility, and thermodynamic stability) performed at Invitae indicates that this missense variant is not expected to disrupt SUFU protein function. This variant has not been reported in the literature in individuals affected with SUFU-related conditions. This variant is not present in population databases (gnomAD no frequency). This sequence change replaces methionine, which is neutral and non-polar, with leucine, which is neutral and non-polar, at codon 185 of the SUFU protein (p.Met185Leu).